The following is an entry in ClinVar:

NM_006790.3(MYOT):c.780G>A (p.Ser260=)

Genes: MYOT (myotilin; plus strand), PKD2L2-DT (PKD2L2 divergent transcript; minus strand). Cytogenetic location: 5q31.2.
Variant type: single nucleotide variant.
Coding change: c.780G>A on transcript NM_006790.3 (MANE Select); coding-DNA position 780, G replaced by A.
Protein change: p.Ser260=; no amino-acid change (serine 260 retained).
Molecular consequence: synonymous variant.
Genome position (GRCh38, 1-based): chr5:137,882,069, G>A. VCF-style: chr5-137882069-G-A. GRCh37 (hg19) VCF-style: chr5-137217758-G-A.
Other names: p.Ser260=; c.228G>A, p.Ser76= (NM_001135940.2); c.435G>A, p.Ser145= (NM_001300911.2).
Identifiers: ClinVar variation 129684 (VCV000129684.32), dbSNP rs116773838, ClinGen allele CA153840.

ClinVar aggregate classification (germline): Benign/Likely benign. Review status: criteria provided, multiple submitters, no conflicts (2 of 4 stars). 10 submissions from 10 submitters: Benign (8); Likely benign (1). 1 of the submissions does not count toward it. Last evaluated 2026-02-02.

Conditions:
Myofibrillar myopathy 3 (MFM3). Also called: Autosomal dominant spheroid body myopathy; Muscular dystrophy, proximal, type 1A. Identifiers: Orphanet 266, Orphanet 268129, MedGen C3714934, MONDO:0012215, OMIM 609200.

Allele frequency attached by ClinVar (database versions not stated): gnomAD exomes 0.00364; ExAC 0.00460; 1000 Genomes Project 0.01458; gnomAD 0.01499 and 0.01617; 1000 Genomes Project 30x 0.01530; TOPMed 0.01633; ESP Exome Variant Server 0.01661.
gnomAD v4.1: 4,514 of 1,614,132 alleles (0.28%); highest among the groups gnomAD compares: African/African-American, 5.3%; 112 homozygotes.

Submissions (10):

Labcorp Genetics (formerly Invitae), Labcorp
Classification: Benign for Myofibrillar myopathy 3. Last evaluated: 2026-02-02. Review status: criteria provided, single submitter. Criteria: Invitae Variant Classification Sherloc (09022015). Collection method: clinical testing. Allele origin: germline.

ARUP Laboratories, Molecular Genetics and Genomics, ARUP Laboratories
Classification: Benign for Myofibrillar myopathy 3. Last evaluated: 2023-11-28. Review status: criteria provided, single submitter. Criteria: ARUP Molecular Germline Variant Investigation Process 2024. Collection method: clinical testing. Allele origin: germline.

Women's Health and Genetics/Laboratory Corporation of America, LabCorp
Classification: Benign. Last evaluated: 2023-08-19. Review status: criteria provided, single submitter. Criteria: LabCorp Variant Classification Summary - May 2015. Collection method: clinical testing. Allele origin: germline.

Athena Diagnostics
Classification: Benign. Last evaluated: 2021-10-01. Review status: criteria provided, single submitter. Criteria: Athena Diagnostics Criteria. Collection method: clinical testing. Allele origin: unknown.

Mayo Clinic Laboratories, Mayo Clinic
Classification: Benign. Last evaluated: 2018-04-11. Review status: criteria provided, single submitter. Criteria: ACMG Guidelines, 2015. Collection method: clinical testing. Allele origin: germline. Observed: 12 variant alleles.

Illumina Laboratory Services, Illumina
Classification: Benign for Myofibrillar myopathy 3. Last evaluated: 2018-01-12. Review status: criteria provided, single submitter. Criteria: ICSL Variant Classification Criteria 13 December 2019. Collection method: clinical testing. Allele origin: germline.
Comment: This variant was observed in the ICSL laboratory as part of a predisposition screen in an ostensibly healthy population. It had not been previously curated by ICSL or reported in the Human Gene Mutation Database (HGMD: prior to June 1st, 2018), and was therefore a candidate for classification through an automated scoring system. Utilizing variant allele frequency, disease prevalence and penetrance estimates, and inheritance mode, an automated score was calculated to assess if this variant is too frequent to cause the disease. Based on the score and internal cut-off values, a variant classified as benign is not then subjected to further curation. The score for this variant resulted in a classification of benign for this disease.

GeneDx
Classification: Benign. Last evaluated: 2016-07-07. Review status: criteria provided, single submitter. Criteria: GeneDx Variant Classification (06012015). Collection method: clinical testing. Allele origin: germline. Affected: yes.
Comment: This variant is considered likely benign or benign based on one or more of the following criteria: it is a conservative change, it occurs at a poorly conserved position in the protein, it is predicted to be benign by multiple in silico algorithms, and/or has population frequency not consistent with disease.

Breakthrough Genomics
Classification: Likely benign. Review status: criteria provided, single submitter. Criteria: ACMG Guidelines, 2015. Collection method: not provided. Allele origin: germline. Inheritance: Autosomal dominant inheritance. Affected: yes.

PreventionGenetics, part of Exact Sciences
Classification: Benign. Review status: criteria provided, single submitter. Criteria: ACMG Guidelines, 2015. Collection method: clinical testing. Allele origin: germline.

Genetic Services Laboratory, University of Chicago
Classification: Likely benign for AllHighlyPenetrant. Review status: no assertion criteria provided. Collection method: clinical testing. Allele origin: germline. Inheritance: Autosomal dominant inheritance. Not counted in ClinVar's aggregate classification.
Comment: Likely benign based on allele frequency in 1000 Genomes Project or ESP global frequency and its presence in a patient with a rare or unrelated disease phenotype. NOT Sanger confirmed.